The following is an entry in ClinVar:

ClinVar aggregate classification (germline): Conflicting classifications of pathogenicity. Review status: criteria provided, conflicting classifications (1 of 4 stars). 6 submissions from 6 submitters: Uncertain significance (5); Likely benign (1). Last evaluated 2025-08-08.

Conditions:
Hereditary cancer-predisposing syndrome. Also called: Tumor predisposition; Hereditary neoplastic syndrome; Hereditary Cancer Syndrome; Neoplastic Syndromes, Hereditary. Identifiers: Orphanet 140162, MedGen C0027672, MeSH D009386, MONDO:0015356.
Hereditary breast ovarian cancer syndrome. Also called: Hereditary breast and/or ovarian cancer syndrome; Breast and ovarian cancer; Hereditary breast and ovarian cancer syndrome; Hereditary breast and ovarian cancer; Hereditary breast and ovarian cancer syndrome (HBOC); BRCA1- and BRCA2-Associated Hereditary Breast and Ovarian Cancer. Identifiers: Orphanet 145, MedGen C0677776, MeSH D061325, MONDO:0003582. Disease mechanism: loss of function.
Breast-ovarian cancer, familial, susceptibility to, 1 (BROVCA1). Also called: BRCA1 Hereditary Breast and Ovarian Cancer; OVARIAN CANCER, SUSCEPTIBILITY TO. Identifiers: Orphanet 145, MedGen C2676676, MONDO:0011450, OMIM 604370. Disease mechanism: loss of function.

Submissions (7):

Labcorp Genetics (formerly Invitae), Labcorp
Classification: Uncertain significance for Hereditary breast ovarian cancer syndrome. Last evaluated: 2025-08-08. Review status: criteria provided, single submitter. Criteria: Invitae Variant Classification Sherloc (09022015). Collection method: clinical testing. Allele origin: germline.
Comment: This sequence change replaces histidine, which is basic and polar, with tyrosine, which is neutral and polar, at codon 1672 of the BRCA1 protein (p.His1672Tyr). This variant is not present in population databases (gnomAD no frequency). This variant has not been reported in the literature in individuals affected with BRCA1-related conditions. ClinVar contains an entry for this variant (Variation ID: 141076). Invitae Evidence Modeling incorporating data from in vitro experimental studies (PMID: 30209399) indicates that this missense variant is not expected to disrupt BRCA1 function with a negative predictive value of 95%. Experimental studies have shown that this missense change does not substantially affect BRCA1 function (PMID: 30209399). In summary, the available evidence is currently insufficient to determine the role of this variant in disease. Therefore, it has been classified as a Variant of Uncertain Significance.

GeneDx
Classification: Uncertain significance. Last evaluated: 2023-12-19. Review status: criteria provided, single submitter. Criteria: GeneDx Variant Classification Process June 2021. Collection method: clinical testing. Allele origin: germline. Affected: yes.
Comment: In silico analysis supports that this missense variant does not alter protein structure/function; Not observed at significant frequency in large population cohorts (gnomAD); Also known as 5133C>T; This variant is associated with the following publications: (PMID: 30209399, 25348405)

All of Us Research Program, National Institutes of Health
Classification: Uncertain significance for Breast-ovarian cancer, familial, susceptibility to, 1. Last evaluated: 2023-12-18. Review status: criteria provided, single submitter. Criteria: ACMG Guidelines, 2015. Collection method: clinical testing. Allele origin: germline. Inheritance: Autosomal dominant inheritance. Observed: 1 variant allele, 1 heterozygote.
Comment: This missense variant replaces histidine with tyrosine at codon 1672 of the BRCA1 protein. Computational prediction suggests that this variant may not impact protein structure and function (internally defined REVEL score threshold <= 0.5, PMID: 27666373). A functional study has reported that this variant does not impact BRCA1 function in a haploid cell proliferation assay (PMID: 30209399). This variant has not been reported in individuals affected with BRCA1-related disorders in the literature. This variant has not been identified in the general population by the Genome Aggregation Database (gnomAD). The available evidence is insufficient to determine the role of this variant in disease conclusively. Therefore, this variant is classified as a Variant of Uncertain Significance.

This study involves interpretation of variants in research participants for the purpose of population health screening. Participant phenotype was not available at the time of variant classification. Additional details can be found in publication PMID: 35346344, PMCID: PMC8962531

Color Diagnostics, LLC DBA Color Health
Classification: Uncertain significance for Hereditary cancer-predisposing syndrome. Last evaluated: 2023-09-28. Review status: criteria provided, single submitter. Criteria: ACMG Guidelines, 2015. Collection method: clinical testing. Allele origin: germline.
Comment: This missense variant replaces histidine with tyrosine at codon 1672 of the BRCA1 protein. Computational prediction suggests that this variant may not impact protein structure and function. A functional study has reported that this variant does not impact BRCA1 function in a haploid cell proliferation assay (PMID: 30209399). This variant has not been reported in individuals affected with BRCA1-related disorders in the literature. This variant has not been identified in the general population by the Genome Aggregation Database (gnomAD). The available evidence is insufficient to determine the role of this variant in disease conclusively. Therefore, this variant is classified as a Variant of Uncertain Significance.

Quest Diagnostics Nichols Institute San Juan Capistrano
Classification: Uncertain significance. Last evaluated: 2023-01-27. Review status: criteria provided, single submitter. Criteria: Quest Diagnostics criteria. Collection method: clinical testing. Allele origin: unknown.
Comment: It has not been reported in large, multi-ethnic general populations. In the published literature, the variant was briefly described as a benign variant when it was identified in a gastric tumor (PMID: 32269290 (2020)). One study showed this variant apparently retained functional activity in a large-scale study using a haploid cell line (PMID: 30209399 (2018)), however further research is needed. Analysis of this variant using bioinformatics tools for the prediction of the effect of amino acid changes on protein structure and function yielded predictions that this variant is benign. Based on the available information, we are unable to determine the clinical significance of this variant.

Ambry Genetics
Classification: Likely benign for Hereditary cancer-predisposing syndrome. Last evaluated: 2018-03-20. Review status: criteria provided, single submitter. Criteria: Ambry Variant Classification Scheme 2023. Collection method: clinical testing. Allele origin: germline.

Brotman Baty Institute, University of Washington
No classification provided (evidence only). Condition: Breast-ovarian cancer, familial 1. Review status: no classification provided. Collection method: in vitro. Allele origin: not applicable. Functional consequence: functionally_normal. Not counted in ClinVar's aggregate classification.
ClinVar note: "not provided" was previously submitted as the classification for the variant. However, the classification appeared to be based only on an observation of functional data so it was converted to no classification on 2025-07-30.

Literature cited by the submitters: PubMed 30209399 (cited by 4 submitters); PubMed 31911673 (cited by Quest Diagnostics Nichols Institute San Juan Capistrano); PubMed 33087888 (cited by Quest Diagnostics Nichols Institute San Juan Capistrano); PubMed 32269290 (cited by Quest Diagnostics Nichols Institute San Juan Capistrano).

NM_007294.4(BRCA1):c.5014C>T (p.His1672Tyr)

Gene: BRCA1 (BRCA1 DNA repair associated; minus strand). Cytogenetic location: 17q21.31.
Variant type: single nucleotide variant.
Coding change: c.5014C>T on transcript NM_007294.4 (MANE Select); coding-DNA position 5014, C replaced by T.
Protein change: p.His1672Tyr; replaces histidine 1672 with tyrosine.
Molecular consequence: missense variant. On other transcripts: non-coding transcript variant (1).
Genome position (GRCh38, 1-based): chr17:43,067,668, G>A on the plus strand (C>T on the coding strand, the complement: BRCA1 is on the minus strand). VCF-style: chr17-43067668-G-A. GRCh37 (hg19) VCF-style: chr17-41219685-G-A.
Other names: c.4891C>T, p.His1631Tyr (NM_001407667.1, NM_001407919.1, NM_001407937.1 and 6 more transcripts); c.4888C>T, p.His1630Tyr (NM_001407678.1, NM_001407679.1, NM_001407680.1 and 11 more transcripts); c.4885C>T, p.His1629Tyr (NM_001407681.1, NM_001407682.1, NM_001407683.1 and 6 more transcripts); c.5014C>T, p.His1672Tyr (NM_001407684.1, NM_001407854.1, NM_001407593.1 and 8 more transcripts); c.4873C>T, p.His1625Tyr (NM_001407698.1, NM_001407724.1, NM_001407725.1 and 13 more transcripts); c.4870C>T, p.His1624Tyr (NM_001407742.1, NM_001407743.1, NM_001407744.1 and 21 more transcripts); c.4867C>T, p.His1623Tyr (NM_001407847.1, NM_001407848.1, NM_001407849.1 and 12 more transcripts); c.5011C>T, p.His1671Tyr (NM_001407858.1, NM_001407618.1, NM_001407619.1 and 17 more transcripts); and 70 more; short protein forms H1672Y, H1693Y, H568Y, H1625Y, H1503Y, H1543Y, H1545Y, H1561Y.
Identifiers: ClinVar variation 141076 (VCV000141076.22), dbSNP rs587781477, ClinGen allele CA003153.